The following is an entry in ClinVar:

NM_000059.4(BRCA2):c.67+1G>T

Gene: BRCA2 (BRCA2 DNA repair associated; plus strand). Cytogenetic location: 13q13.1.
Variant type: single nucleotide variant.
Coding change: c.67+1G>T on transcript NM_000059.4 (MANE Select); the canonical splice donor site of the intron after coding-DNA position 67, G replaced by T.
Molecular consequence: splice donor variant. On other transcripts: intron variant (1).
Genome position (GRCh38, 1-based): chr13:32,316,528, G>T. VCF-style: chr13-32316528-G-T. GRCh37 (hg19) VCF-style: chr13-32890665-G-T.
Other names: IVS2+1G>T; c.67+1G>T (NM_001406720.1, NM_001406719.1, NM_001406721.1); c.-303+861G>T (NM_001406722.1).
Identifiers: ClinVar variation 52161 (VCV000052161.34), dbSNP rs81002796, ClinGen allele CA024336.

ClinVar aggregate classification (germline): Pathogenic. Review status: reviewed by expert panel (3 of 4 stars). 15 submissions from 15 submitters: Pathogenic (1). 14 of the submissions do not count toward it. Last evaluated 2019-06-18.

Conditions:
Hereditary breast ovarian cancer syndrome. Also called: Hereditary breast and ovarian cancer syndrome; Hereditary breast and ovarian cancer; Hereditary breast and ovarian cancer syndrome (HBOC); Breast and ovarian cancer; Hereditary breast and/or ovarian cancer syndrome; BRCA1- and BRCA2-Associated Hereditary Breast and Ovarian Cancer. Identifiers: Orphanet 145, MedGen C0677776, MeSH D061325, MONDO:0003582. Disease mechanism: loss of function.
Hereditary cancer-predisposing syndrome. Also called: Neoplastic Syndromes, Hereditary; Tumor predisposition; Hereditary neoplastic syndrome; Hereditary Cancer Syndrome. Identifiers: Orphanet 140162, MedGen C0027672, MeSH D009386, MONDO:0015356.
Familial cancer of breast. Also called: BREAST CANCER, FAMILIAL; Hereditary breast cancer; hereditary breast carcinoma. Identifiers: Orphanet 227535, MedGen C0346153, MONDO:0016419, OMIM 114480. Disease mechanism: loss of function.
Breast-ovarian cancer, familial, susceptibility to, 2 (BROVCA2). Also called: BRCA2 Hereditary Breast and Ovarian Cancer. Identifiers: Orphanet 145, MedGen C2675520, MONDO:0012933, OMIM 612555. Disease mechanism: loss of function.

Submissions 1 to 10 of 15:

Evidence-based Network for the Interpretation of Germline Mutant Alleles (ENIGMA)
Classification: Pathogenic for Breast-ovarian cancer, familial, susceptibility to, 2. Last evaluated: 2019-06-18. Review status: reviewed by expert panel. Criteria: ENIGMA BRCA1/2 Classification Criteria (2017-06-29). Collection method: curation. Allele origin: germline.
Comment: IARC class based on posterior probability from multifactorial likelihood analysis, thresholds for class as per Plon et al. 2008 (PMID: 18951446). Class 5 based on posterior probability = 0.995729

Labcorp Genetics (formerly Invitae), Labcorp
Classification: Pathogenic for Hereditary breast ovarian cancer syndrome. Last evaluated: 2026-01-06. Review status: criteria provided, single submitter. Criteria: Invitae Variant Classification Sherloc (09022015). Collection method: clinical testing. Allele origin: germline. Not counted in ClinVar's aggregate classification.
Comment: This sequence change affects a donor splice site in intron 2 of the BRCA2 gene. RNA analysis indicates that disruption of this splice site induces altered splicing and is likely to result in the loss of the initiator methionine. This variant is not present in population databases (gnomAD no frequency). Disruption of this splice site has been observed in individual(s) with breast and/or ovarian cancer (PMID: 12938098, 29446198, 31706072). This variant is also known as IVS2+1G>T. ClinVar contains an entry for this variant (Variation ID: 52161). Based on a multifactorial likelihood algorithm using genetic, in silico, and/or statistical data, this variant has been determined to have a high probability of being pathogenic (PMID: 31131967). Studies have shown that disruption of this splice site results in skipping of exon 2, and is expected to result in the loss of the initiator methionine (PMID: 17011978, 22505045, 30883759; internal data). This variant disrupts the p.Met1 amino acid residue in BRCA2. Other variant(s) that disrupt this residue have been determined to be pathogenic (PMID: 20104584, 21203900, 21769658, 24607278, 24916970). This suggests that this residue is clinically significant, and that variants that disrupt this residue are likely to be disease-causing. For these reasons, this variant has been classified as Pathogenic.

Center for Genomic Medicine, Rigshospitalet, Copenhagen University Hospital
Classification: Pathogenic. Last evaluated: 2025-03-04. Review status: criteria provided, single submitter. Criteria: ACMG Guidelines, 2015. Collection method: clinical testing. Allele origin: germline. Not counted in ClinVar's aggregate classification.

Department of Human Genetics, Hannover Medical School
Classification: Pathogenic for Breast-ovarian cancer, familial, susceptibility to, 2. Last evaluated: 2024-07-15. Review status: criteria provided, single submitter. Criteria: ACMG Guidelines, 2015. Collection method: clinical testing. Allele origin: germline. Inheritance: Autosomal dominant inheritance. Affected: yes. Not counted in ClinVar's aggregate classification.

Ambry Genetics
Classification: Pathogenic for Hereditary cancer-predisposing syndrome. Last evaluated: 2024-05-01. Review status: criteria provided, single submitter. Criteria: Ambry Variant Classification Scheme 2023. Collection method: clinical testing. Allele origin: germline. Not counted in ClinVar's aggregate classification.
Comment: The c.67+1G>T intronic pathogenic mutation results from a G to T substitution one nucleotide after coding exon 1 of the BRCA2 gene. Alterations that disrupt the canonical splice site are expected to result in aberrant splicing. In silico splice site analysis predicts that this alteration will weaken the native splice donor site. This variant, as well as several close match variants at this donor site have been shown by multiple assays to result in skipping of coding exon 1 (also known as exon 2) with resulting predicted loss of the translational start codon (Ambry internal data; Houdayer C et al. Hum. Mutat., 2012 Aug;33:1228-38; Parsons MT et al. Mol Carcinog, 2015 Jul;54:513-22; Feben C et al. Fam Cancer, 2017 07;16:441-446; Fraile-Bethencourt E et al. J Pathol, 2019 08;248:409-420). This alteration was also classified as pathogenic in a multifactorial model of variant interpretation that incorporates co-segregation, family history, co-occurrence and tumor pathology and case-control data (Parsons MT et al. Hum Mutat, 2019 Sep;40:1557-1578). This variant was reported in multiple individuals with features consistent with BRCA2-related hereditary breast and ovarian cancer syndrome (Meyer P et al. Hum Mutat, 2003 Sep;22:259; Rebbeck TR et al. Hum Mutat, 2018 May;39:593-620; Mondschein R et al. Cancers (Basel), 2022 Jul;14). This variant is considered to be rare based on population cohorts in the Genome Aggregation Database (gnomAD). This nucleotide position is highly conserved in available vertebrate species. Based on the supporting evidence, this variant is interpreted as a disease-causing mutation.

Baylor Genetics
Classification: Pathogenic for Familial cancer of breast. Last evaluated: 2024-03-29. Review status: criteria provided, single submitter. Criteria: ACMG Guidelines, 2015. Collection method: clinical testing. Allele origin: unknown. Not counted in ClinVar's aggregate classification.

All of Us Research Program, National Institutes of Health
Classification: Pathogenic for Breast-ovarian cancer, familial, susceptibility to, 2. Last evaluated: 2023-12-11. Review status: criteria provided, single submitter. Criteria: ACMG Guidelines, 2015. Collection method: clinical testing. Allele origin: germline. Inheritance: Autosomal dominant inheritance. Observed: 1 variant allele, 1 heterozygote. Not counted in ClinVar's aggregate classification.
Comment: The c.67+1G>T variant in the BRCA2 gene is located at the canonical splice site of intron 2 and is predicted to inflict donor loss (SpliceAI delta score: 0.98), resulting in alternative splicing and disrupted protein product. The variant has been reported in multiple individuals with breast/ovarian/prostate cancer (PMID: 32846166, 31512090, 32438681, 35892882, 12938098). Experimental study of this variant showed skipping of exon 2 (PMID: 12938098). Loss-of-function variants of BRCA2 are known to be pathogenic (PMID: 8988179, 11897832, 29446198). The variant is reported in ClinVar as pathogenic (ID: 52161) and reviewed by the expert panel. The variant is absent in the general population database (gnomAD). Therefore, the c.67+1G>T variant of BRCA2 has been classified as pathogenic.

This study involves interpretation of variants in research participants for the purpose of population health screening. Participant phenotype was not available at the time of variant classification. Additional details can be found in publication PMID: 35346344, PMCID: PMC8962531

Color Diagnostics, LLC DBA Color Health
Classification: Pathogenic for Hereditary cancer-predisposing syndrome. Last evaluated: 2022-03-04. Review status: criteria provided, single submitter. Criteria: ACMG Guidelines, 2015. Collection method: clinical testing. Allele origin: germline. Not counted in ClinVar's aggregate classification.
Comment: This variant causes a G to T nucleotide substitution at the +1 position of intron 2 of the BRCA2 gene. Functional RNA studies have shown that this variant causes skipping of exon 2, expected to result in the loss of the initiator methionine. This variant has been reported in individuals affected with breast and ovarian cancer (PMID: 25342642, 31706072, DOI 10.1515/tjb-2019-0424). This variant has not been identified in the general population by the Genome Aggregation Database (gnomAD). Loss of BRCA2 function is a known mechanism of disease. Based on the available evidence, this variant is classified as Pathogenic.

Institute of Medical Genetics and Applied Genomics, University Hospital Tübingen
Classification: Pathogenic. Last evaluated: 2021-06-17. Review status: criteria provided, single submitter. Criteria: ACMG Guidelines, 2015. Collection method: clinical testing. Allele origin: germline. Inheritance: Autosomal dominant inheritance. Affected: yes. Not counted in ClinVar's aggregate classification.

Department of Pathology and Laboratory Medicine, Sinai Health System
Classification: Pathogenic for Familial cancer of breast; Breast-ovarian cancer, familial, susceptibility to, 2. Last evaluated: 2021-02-02. Review status: criteria provided, single submitter. Criteria: ACMG Guidelines, 2015. Collection method: clinical testing. Allele origin: germline. Affected: yes. Not counted in ClinVar's aggregate classification.